The following is an entry in ClinVar:

ClinVar aggregate classification (germline): Uncertain significance (1 of 4 stars; one submission).

Conditions:
Inborn genetic diseases. Identifiers: MedGen C0950123, MeSH D030342.

Submission:

Ambry Genetics
Classification: Uncertain significance for Inborn genetic diseases. Last evaluated: 2026-08-22. Review status: criteria provided, single submitter. Criteria: Ambry Variant Classification Scheme 2023. Collection method: clinical testing. Allele origin: germline.
Comment: The p.P156L variant (also known as c.467C>T), located in coding exon 3 of the HAX1 gene, results from a C to T substitution at nucleotide position 467. The proline at codon 156 is replaced by leucine, an amino acid with similar properties. This amino acid position is conserved. In addition, this alteration is predicted to be tolerated by in silico analysis. Based on the available evidence, the clinical significance of this variant remains unclear.

NM_006118.4(HAX1):c.467C>T (p.Pro156Leu)

Gene: HAX1 (HCLS1 associated protein X-1; plus strand). Cytogenetic location: 1q21.3.
Variant type: single nucleotide variant.
Coding change: c.467C>T on transcript NM_006118.4 (MANE Select); coding-DNA position 467, C replaced by T.
Protein change: p.Pro156Leu; replaces proline 156 with leucine.
Molecular consequence: missense variant.
Genome position (GRCh38, 1-based): chr1:154,273,924, C>T. VCF-style: chr1-154273924-C-T. GRCh37 (hg19) VCF-style: chr1-154246400-C-T.
Other names: c.323C>T, p.Pro108Leu (NM_001018837.2); short protein forms P108L, P156L.
Identifiers: ClinVar variation 5022590 (VCV005022590.1).